The following is an entry in ClinVar:

NM_001376.5(DYNC1H1):c.2325C>A (p.Tyr775Ter)

Gene: DYNC1H1 (dynein cytoplasmic 1 heavy chain 1; plus strand). Cytogenetic location: 14q32.31.
Variant type: single nucleotide variant.
Coding change: c.2325C>A on transcript NM_001376.5 (MANE Select); coding-DNA position 2325, C replaced by A.
Protein change: p.Tyr775Ter; replaces tyrosine 775 with a stop codon.
Molecular consequence: nonsense.
Genome position (GRCh38, 1-based): chr14:101,986,550, C>A. VCF-style: chr14-101986550-C-A. GRCh37 (hg19) VCF-style: chr14-102452887-C-A.
Other names: short protein forms Y775*.
Identifiers: ClinVar variation 3370999 (VCV003370999.1).
Genomic context (GRCh38, chr14:101,986,550, plus strand): 5'-GCTTGGTTTCCGCGTCCCACTGGCGATTGTGAACAAAGCCCATCAAGCAAACCAGCTTTA[C>A]CCGTTTGCCATCTCACTGATCGAGAGCGTTCGTACCTATGAACGGACCTGCGAGAAGGTG-3'

ClinVar aggregate classification (germline): Uncertain significance (1 of 4 stars; one submission).

Submission:

GeneDx
Classification: Uncertain significance. Last evaluated: 2024-03-18. Review status: criteria provided, single submitter. Criteria: GeneDx Variant Classification Process June 2021. Collection method: clinical testing. Allele origin: germline. Affected: yes.
Comment: Not observed at significant frequency in large population cohorts (gnomAD); Nonsense variant predicted to result in protein truncation or nonsense mediated decay in a gene for which loss-of-function is not an established mechanism of disease; Has not been previously published as pathogenic or benign to our knowledge